The following is an entry in ClinVar:

ClinVar aggregate classification (germline): Uncertain significance (1 of 4 stars; one submission).

Submission:

CeGaT Center for Human Genetics Tuebingen
Classification: Uncertain significance. Last evaluated: 2025-06-01. Review status: criteria provided, single submitter. Criteria: CeGaT Center For Human Genetics Tuebingen Variant Classification Criteria Version 2. Collection method: clinical testing. Allele origin: germline. Affected: yes. Observed: 1 variant allele.
Comment: RELN: PM2

NM_005045.4(RELN):c.1858C>G (p.His620Asp)

Gene: RELN (reelin; minus strand). Cytogenetic location: 7q22.1.
Variant type: single nucleotide variant.
Coding change: c.1858C>G on transcript NM_005045.4 (MANE Select); coding-DNA position 1858, C replaced by G.
Protein change: p.His620Asp; replaces histidine 620 with aspartic acid.
Molecular consequence: missense variant.
Genome position (GRCh38, 1-based): chr7:103,651,695, G>C on the plus strand (C>G on the coding strand, the complement: RELN is on the minus strand). VCF-style: chr7-103651695-G-C. GRCh37 (hg19) VCF-style: chr7-103292142-G-C.
Other names: c.1858C>G, p.His620Asp (NM_173054.3); short protein forms H620D.
Identifiers: ClinVar variation 4085259 (VCV004085259.8).